The following is an entry in ClinVar:

ClinVar aggregate classification (germline): Likely pathogenic (1 of 4 stars; one submission).

Conditions:
Camptodactyly-arthropathy-coxa vara-pericarditis syndrome. Also called: Arthropathy camptodactyly syndrome; Pericarditis arthropathy camptodactyly syndrome; Congenital familial hypertrophic synovitis; PAC SYNDROME; FIBROSING SEROSITIS, FAMILIAL; JACOBS SYNDROME. Identifiers: Orphanet 2848, MedGen C1859690, MONDO:0008828, OMIM 208250.

Submission:

Neuberg Centre For Genomic Medicine, NCGM
Classification: Likely pathogenic for Camptodactyly-arthropathy-coxa vara-pericarditis syndrome. Review status: criteria provided, single submitter. Criteria: ACMG Guidelines, 2015. Collection method: clinical testing. Allele origin: germline. Inheritance: Autosomal recessive inheritance. Affected: yes.
Comment: The stop gained p.W1343* in PRG4 (NM_005807.6) has not been reported previously as a pathogenic variant nor as a benign variant, to our knowledge. The p.W1343* variant is novel (not in any individuals) in gnomAD Exomes and is novel (not in any individuals) in 1000 Genomes. This variant is predicted to cause loss of normal protein function through protein truncation. The p.W1343* variant is a loss of function variant in the gene PRG4, which is intolerant of Loss of Function variants. For these reasons, this variant has been classified as Likely Pathogenic.

NM_005807.6(PRG4):c.4029G>A (p.Trp1343Ter)

Genes: PRG4 (proteoglycan 4; plus strand), TPR (translocated promoter region, nuclear basket protein; minus strand). Cytogenetic location: 1q31.1.
Variant type: single nucleotide variant.
Coding change: c.4029G>A on transcript NM_005807.6 (MANE Select); coding-DNA position 4029, G replaced by A.
Protein change: p.Trp1343Ter; replaces tryptophan 1343 with a stop codon.
Molecular consequence: nonsense. On other transcripts: 3 prime UTR variant (1).
Genome position (GRCh38, 1-based): chr1:186,312,806, G>A. VCF-style: chr1-186312806-G-A. GRCh37 (hg19) VCF-style: chr1-186281938-G-A.
Other names: c.3906G>A, p.Trp1302Ter (NM_001127708.3); c.3750G>A, p.Trp1250Ter (NM_001127709.3); c.3627G>A, p.Trp1209Ter (NM_001127710.3); c.3900G>A, p.Trp1300Ter (NM_001303232.2); c.*1165C>T (NM_003292.3); short protein forms W1209*, W1250*, W1300*, W1302*, W1343*.
Identifiers: ClinVar variation 2627391 (VCV002627391.1), dbSNP rs2526450332, ClinGen allele CA343957013.